The following is an entry in ClinVar:

NM_001371720.2(MUC1):c.28T>C (p.Phe10Leu)

Gene: MUC1 (mucin 1, cell surface associated; minus strand). Cytogenetic location: 1q22.
Variant type: single nucleotide variant.
Coding change: c.28T>C on transcript NM_001371720.2; coding-DNA position 28, T replaced by C.
Protein change: p.Phe10Leu; replaces phenylalanine 10 with leucine.
Molecular consequence: missense variant.
Genome position (GRCh38, 1-based): chr1:155,192,816, A>G on the plus strand (T>C on the coding strand, the complement: MUC1 is on the minus strand). VCF-style: chr1-155192816-A-G. GRCh37 (hg19) VCF-style: chr1-155162607-A-G.
Other names: c.28T>C, p.Phe10Leu (NM_001018016.3, NM_001018017.3, NM_001044390.3 and 17 more transcripts); short protein forms F10L.
Identifiers: ClinVar variation 1050501 (VCV001050501.1), dbSNP rs759009730, ClinGen allele CA1139744.

ClinVar aggregate classification (germline): Uncertain significance (0 of 4 stars; one submission).

Allele frequency attached by ClinVar (database versions not stated): gnomAD exomes 0.00001 and 0.00002; ExAC 0.00003.

Submission:

Department of Pathology and Laboratory Medicine, Sinai Health System
Classification: Uncertain significance. Review status: no assertion criteria provided. Collection method: clinical testing. Allele origin: unknown. Affected: yes. Study: The Canadian Open Genetics Repository (COGR).
Comment: The MUC1 p.Phe10Leu variant was not identified in the literature nor was it identified in ClinVar or LOVD 3.0. The variant was identified in dbSNP (ID: rs759009730) and in control databases in 5 of 245790 chromosomes at a frequency of 0.00002034 (Genome Aggregation Database March 6, 2019, v2.1.1). The variant was observed in the South Asian population in 5 of 30114 chromosomes (freq: 0.000166), but was not observed in the African, Latino, Ashkenazi Jewish, East Asian, European (Finnish), European (non-Finnish), and Other populations. The p.Phe10 residue is not conserved in mammals and four out of five computational analyses (PolyPhen-2, SIFT, AlignGVGD, BLOSUM, MutationTaster) do not suggest a high likelihood of impact to the protein; however, this information is not predictive enough to rule out pathogenicity. The variant occurs outside of the splicing consensus sequence and in silico or computational prediction software programs (SpliceSiteFinder, MaxEntScan, NNSPLICE, GeneSplicer) do not predict a difference in splicing. In summary, based on the above information the clinical significance of this variant cannot be determined with certainty at this time. This variant is classified as a variant of uncertain significance.